The following is an entry in ClinVar:

ClinVar aggregate classification (germline): Uncertain significance (1 of 4 stars; one submission).

Conditions:
Duchenne muscular dystrophy (DMD). Also called: Duchenne Muscular Dystrophy (DMD); MUSCULAR DYSTROPHY, PSEUDOHYPERTROPHIC PROGRESSIVE, DUCHENNE TYPE. Identifiers: Orphanet 98896, MedGen C0013264, MONDO:0010679, OMIM 310200.

Allele frequency attached by ClinVar (database versions not stated): gnomAD exomes below 0.00001.
gnomAD v4.1: 1 of 1,210,546 alleles (0.000083%); highest among the groups gnomAD compares: Non-Finnish European, 0.00011%; no homozygotes.

Submission:

Labcorp Genetics (formerly Invitae), Labcorp
Classification: Uncertain significance for Duchenne muscular dystrophy. Last evaluated: 2019-07-10. Review status: criteria provided, single submitter. Criteria: Invitae Variant Classification Sherloc (09022015). Collection method: clinical testing. Allele origin: germline.
Comment: This sequence change replaces alanine with threonine at codon 1637 of the DMD protein (p.Ala1637Thr). The alanine residue is moderately conserved and there is a small physicochemical difference between alanine and threonine. In summary, the available evidence is currently insufficient to determine the role of this variant in disease. Therefore, it has been classified as a Variant of Uncertain Significance. Algorithms developed to predict the effect of missense changes on protein structure and function (SIFT, PolyPhen-2, Align-GVGD) all suggest that this variant is likely to be tolerated, but these predictions have not been confirmed by published functional studies and their clinical significance is uncertain. This variant has not been reported in the literature in individuals with DMD-related conditions. This variant is not present in population databases (ExAC no frequency).

NM_004006.3(DMD):c.4909G>A (p.Ala1637Thr)

Gene: DMD (dystrophin; minus strand). Cytogenetic location: Xp21.1.
Variant type: single nucleotide variant.
Coding change: c.4909G>A on transcript NM_004006.3 (MANE Select); coding-DNA position 4909, G replaced by A.
Protein change: p.Ala1637Thr; replaces alanine 1637 with threonine.
Molecular consequence: missense variant.
Genome position (GRCh38, 1-based): chrX:32,365,136, C>T on the plus strand (G>A on the coding strand, the complement: DMD is on the minus strand). VCF-style: chrX-32365136-C-T. GRCh37 (hg19) VCF-style: chrX-32383253-C-T.
Other names: c.4885G>A, p.Ala1629Thr (NM_000109.4); c.4897G>A, p.Ala1633Thr (NM_004009.3); c.4540G>A, p.Ala1514Thr (NM_004010.3); c.886G>A, p.Ala296Thr (NM_004011.4); c.877G>A, p.Ala293Thr (NM_004012.4); short protein forms A1633T, A1514T, A1629T, A296T, A1637T, A293T.
Identifiers: ClinVar variation 935234 (VCV000935234.10), dbSNP rs2097850083, ClinGen allele CA412672247.
Genomic context (GRCh38, chrX:32,365,136, plus strand): 5'-TCAGAAGACTGAGTTTATCTTCCACCAACGTCTCCTTCTTGCCCAAAACTGTTTTCAAGG[C>T]CTCTCCTACCTCTGTGATACTCTTCAGGTGCACCTTCTGTTTCTCAATCTCTTTTTGAGT-3'
Protein context (NP_003997.2, residues 1627-1647): HLKSITEVGE[Ala1637Thr]LKTVLGKKET